The following is an entry in ClinVar:

NM_000238.4(KCNH2):c.2365A>T (p.Ile789Phe)

Gene: KCNH2 (potassium voltage-gated channel subfamily H member 2; minus strand). Cytogenetic location: 7q36.1.
Variant type: single nucleotide variant.
Coding change: c.2365A>T on transcript NM_000238.4 (MANE Select); coding-DNA position 2365, A replaced by T.
Protein change: p.Ile789Phe; replaces isoleucine 789 with phenylalanine.
Molecular consequence: missense variant. On other transcripts: non-coding transcript variant (2).
Genome position (GRCh38, 1-based): chr7:150,950,201, T>A on the plus strand (A>T on the coding strand, the complement: KCNH2 is on the minus strand). VCF-style: chr7-150950201-T-A. GRCh37 (hg19) VCF-style: chr7-150647289-T-A.
Other names: c.1345A>T, p.Ile449Phe (NM_001204798.2, NM_172057.3); c.2077A>T, p.Ile693Phe (NM_001406753.1, NM_001406756.1); c.2188A>T, p.Ile730Phe (NM_001406755.1); c.2065A>T, p.Ile689Phe (NM_001406757.1); c.2365A>T, p.Ile789Phe (NM_172056.3); short protein forms I449F, I689F, I693F, I789F, I730F.
Identifiers: ClinVar variation 2748625 (VCV002748625.3), dbSNP rs2486024713, ClinGen allele CA369856038.

ClinVar aggregate classification (germline): Uncertain significance (1 of 4 stars; one submission).

Conditions:
Long QT syndrome (LQTS). Identifiers: MedGen C0023976, MeSH D008133, MONDO:0002442. Disease mechanism: loss of function. Inheritance: Various modes of inheritance.

Submission:

Labcorp Genetics (formerly Invitae), Labcorp
Classification: Uncertain significance for Long QT syndrome. Last evaluated: 2023-07-31. Review status: criteria provided, single submitter. Criteria: Invitae Variant Classification Sherloc (09022015). Collection method: clinical testing. Allele origin: germline.
Comment: This missense change has been observed in individual(s) with Long QT Syndrome (Invitae). This variant is not present in population databases (gnomAD no frequency). This sequence change replaces isoleucine, which is neutral and non-polar, with phenylalanine, which is neutral and non-polar, at codon 789 of the KCNH2 protein (p.Ile789Phe). An algorithm developed to predict the effect of missense changes on protein structure and function (PolyPhen-2) suggests that this variant is likely to be disruptive. In summary, the available evidence is currently insufficient to determine the role of this variant in disease. Therefore, it has been classified as a Variant of Uncertain Significance.